The following is an entry in ClinVar:

ClinVar aggregate classification (germline): Uncertain significance (1 of 4 stars; one submission).

Conditions:
Aicardi-Goutieres syndrome 7 (AGS7). Identifiers: Orphanet 51, MedGen C3888244, MONDO:0014367, OMIM 615846.
Singleton-Merten syndrome 1 (SGMRT1). Also called: Widened medullary cavities of bone, aortic calcification, abnormal dentition, and muscular weakness; Syndrome of widened medullary cavities of the metacarpals and phalanges, aortic calcification and abnormal dentition. Identifiers: Orphanet 85191, MedGen C4225427, MONDO:0024535, OMIM 182250.

Allele frequency attached by ClinVar (database versions not stated): gnomAD exomes below 0.00001.
gnomAD v4.1: 2 of 1,613,536 alleles (0.00012%); highest among the groups gnomAD compares: Non-Finnish European, 0.00017%; no homozygotes.

Submission:

Labcorp Genetics (formerly Invitae), Labcorp
Classification: Uncertain significance for Aicardi-Goutieres syndrome 7; Singleton-Merten syndrome 1. Last evaluated: 2025-05-23. Review status: criteria provided, single submitter. Criteria: Invitae Variant Classification Sherloc (09022015). Collection method: clinical testing. Allele origin: germline.
Comment: This sequence change replaces glutamic acid, which is acidic and polar, with alanine, which is neutral and non-polar, at codon 210 of the IFIH1 protein (p.Glu210Ala). This variant is present in population databases (no rsID available, gnomAD 0.0009%). This variant has not been reported in the literature in individuals affected with IFIH1-related conditions. ClinVar contains an entry for this variant (Variation ID: 1980575). Invitae Evidence Modeling of protein sequence and biophysical properties (such as structural, functional, and spatial information, amino acid conservation, physicochemical variation, residue mobility, and thermodynamic stability) has been performed for this missense variant. However, the output from this modeling did not meet the statistical confidence thresholds required to predict the impact of this variant on IFIH1 protein function. In summary, the available evidence is currently insufficient to determine the role of this variant in disease. Therefore, it has been classified as a Variant of Uncertain Significance.

NM_022168.4(IFIH1):c.629A>C (p.Glu210Ala)

Gene: IFIH1 (interferon induced with helicase C domain 1; minus strand). Cytogenetic location: 2q24.2.
Variant type: single nucleotide variant.
Coding change: c.629A>C on transcript NM_022168.4 (MANE Select); coding-DNA position 629, A replaced by C.
Protein change: p.Glu210Ala; replaces glutamic acid 210 with alanine.
Molecular consequence: missense variant.
Genome position (GRCh38, 1-based): chr2:162,306,849, T>G on the plus strand (A>C on the coding strand, the complement: IFIH1 is on the minus strand). VCF-style: chr2-162306849-T-G. GRCh37 (hg19) VCF-style: chr2-163163359-T-G.
Other names: short protein forms E210A.
Identifiers: ClinVar variation 1980575 (VCV001980575.4), dbSNP rs1309769796, ClinGen allele CA349008832.